The following is an entry in ClinVar:

NM_001114753.3(ENG):c.1465C>T (p.Gln489Ter)

Genes: ENG (endoglin; minus strand), LOC102723566 (uncharacterized LOC102723566; plus strand). Cytogenetic location: 9q34.11.
Variant type: single nucleotide variant.
Coding change: c.1465C>T on transcript NM_001114753.3 (MANE Select); coding-DNA position 1465, C replaced by T.
Protein change: p.Gln489Ter; replaces glutamine 489 with a stop codon.
Molecular consequence: nonsense. On other transcripts: non-coding transcript variant (1).
Genome position (GRCh38, 1-based): chr9:127,818,341, G>A on the plus strand (C>T on the coding strand, the complement: ENG is on the minus strand). VCF-style: chr9-127818341-G-A. GRCh37 (hg19) VCF-style: chr9-130580620-G-A.
Other names: c.1465C>T, p.Gln489Ter (NM_000118.4); c.919C>T, p.Gln307Ter (NM_001278138.2); short protein forms Q489*, Q307*.
Identifiers: ClinVar variation 383511 (VCV000383511.19), dbSNP rs1057521648, ClinGen allele CA16606222.
Genomic context (GRCh38, chr9:127,818,341, plus strand): 5'-CCTGGATGAGTTCCACGGTGCCTCCCTCAGGCCCCAAGTCCAGGTGGCAGCTGTCTAACT[G>A]GAGCAGGAACTCGGAGACGGATGGGGACACTCTGACCTGCATGGGTAGGTAGGGCCACGC-3'

ClinVar aggregate classification (germline): Pathogenic/Likely pathogenic. Review status: criteria provided, multiple submitters, no conflicts (2 of 4 stars). 6 submissions from 6 submitters: Pathogenic (5); Likely pathogenic (1). Last evaluated 2025-05-12.

Conditions:
Cardiovascular phenotype. Identifiers: MedGen CN230736.
Hereditary hemorrhagic telangiectasia (HHT). Also called: ORW DISEASE; Osler Weber Rendu syndrome; OSLER-RENDU-WEBER DISEASE; Osler hemorrhagic telangiectasia syndrome. Identifiers: Orphanet 774, MedGen C0039445, MONDO:0019180. Disease mechanism: loss of function.
Telangiectasia, hereditary hemorrhagic, type 1 (HHT1). Also called: Osler Weber Rendu syndrome type 1; ENG-Related Hereditary Hemorrhagic Telangiectasia. Identifiers: Orphanet 774, MedGen C4551861, MONDO:0008535, OMIM 187300. Disease mechanism: loss of function.

Submissions (6):

Ambry Genetics
Classification: Pathogenic for Cardiovascular phenotype. Last evaluated: 2025-05-12. Review status: criteria provided, single submitter. Criteria: Ambry Variant Classification Scheme 2023. Collection method: clinical testing. Allele origin: germline.
Comment: The p.Q489* pathogenic mutation (also known as c.1465C>T), located in coding exon 12 of the ENG gene, results from a C to T substitution at nucleotide position 1465. This changes the amino acid from a glutamine to a stop codon within coding exon 12. This variant was reported in individual(s) with features consistent with hereditary hemorrhagic telangiectasia (Richards-Yutz J et al. Hum Genet, 2010 Jul;128:61-77; Corre P et al. Br J Oral Maxillofac Surg, 2011 Jul;49:e9-11). This variant is considered to be rare based on population cohorts in the Genome Aggregation Database (gnomAD).This alteration is expected to result in loss of function by premature protein truncation or nonsense-mediated mRNA decay. As such, this alteration is interpreted as a disease-causing mutation.

Labcorp Genetics (formerly Invitae), Labcorp
Classification: Pathogenic for Hereditary hemorrhagic telangiectasia. Last evaluated: 2024-10-20. Review status: criteria provided, single submitter. Criteria: Invitae Variant Classification Sherloc (09022015). Collection method: clinical testing. Allele origin: germline.
Comment: This sequence change creates a premature translational stop signal (p.Gln489*) in the ENG gene. It is expected to result in an absent or disrupted protein product. Loss-of-function variants in ENG are known to be pathogenic (PMID: 15879500). This variant is not present in population databases (gnomAD no frequency). This premature translational stop signal has been observed in individual(s) with hereditary hemorrhagic telangiectasia (internal data). It has also been observed to segregate with disease in related individuals. ClinVar contains an entry for this variant (Variation ID: 383511). Algorithms developed to predict the effect of sequence changes on RNA splicing suggest that this variant may disrupt the consensus splice site. For these reasons, this variant has been classified as Pathogenic.

ARUP Laboratories, Molecular Genetics and Genomics, ARUP Laboratories
Classification: Pathogenic for Telangiectasia, hereditary hemorrhagic, type 1. Last evaluated: 2024-02-27. Review status: criteria provided, single submitter. Criteria: ARUP Molecular Germline Variant Investigation Process 2024. Collection method: clinical testing. Allele origin: germline.
Comment: The ENG c.1465C>T; p.Gln489Ter variant (rs1057521648) is reported in the literature in an individual with HHT (Kitayama 2021). This variant is also reported in ClinVar (Variation ID: 383511). It is absent from the Genome Aggregation Database (v2.1.1), indicating it is not a common polymorphism. This variant induces an early termination codon and is predicted to result in a truncated protein or mRNA subject to nonsense-mediated decay. Based on available information, this variant is considered to be pathogenic. References: Kitayama K et al. Mutational and clinical spectrum of Japanese patients with hereditary hemorrhagic telangiectasia. BMC Med Genomics. 2021 Dec 6;14(1):288. PMID: 34872578.

Molecular Genetics, Royal Melbourne Hospital
Classification: Pathogenic for Telangiectasia, hereditary hemorrhagic, type 1. Last evaluated: 2023-03-30. Review status: criteria provided, single submitter. Criteria: ACMG Guidelines, 2015. Collection method: clinical testing. Allele origin: germline. Affected: yes.
Comment: This sequence change creates a premature termination codon at position 489 in exon 12 (of 15) of ENG (p.(Gln489*)). This is predicted to result in an absent or disrupted protein product through nonsense mediated decay. Loss of function is a well established disease mechanism for this gene (PVS1). The variant is absent in a large population cohort (PM2, rs1057521648, gnomAD v2.1.1 and v3). The variant has been reported in two unrelated individuals with a clinical diagnosis of hereditary haemorrhagic telangiectasia (PS4_Moderate, PMID: 20414677, 20719417) and is reported to segregate with disease in an affected family (Invitae, ClinVar). Based on the classification scheme RMH ACMG Guidelines v1.2.1, this variant is classified as PATHOGENIC. The following criteria are met: PVS1, PM2, PS4_Moderate.

Victorian Clinical Genetics Services, Murdoch Childrens Research Institute
Classification: Pathogenic for Telangiectasia, hereditary hemorrhagic, type 1. Last evaluated: 2021-05-06. Review status: criteria provided, single submitter. Criteria: ACMG Guidelines, 2015. Collection method: clinical testing. Allele origin: germline. Inheritance: Autosomal dominant inheritance.
Comment: Based on the classification scheme VCGS_Germline_v1.3.4, this variant is classified as Pathogenic. Following criteria are met: 0103 - Dominant negative and loss of function are known mechanisms of disease in this gene and are associated with Hereditary Hemorrhagic Telangiectasia type 1 (MIM#187300). Loss-of-function variants have been reported, while missense variants have been demonstrated to have both loss of function and dominant negative effects on protein activity (PMID: 25312062). (I). 0107 - This gene is associated with autosomal dominant disease. (I) 0201 - Variant is predicted to cause nonsense-mediated decay (NMD) and loss of protein (premature termination codon is located at least 54 nucleotides upstream of the final exon-exon junction). (SP) 0251 - This variant is heterozygous. (I) 0301 - Variant is absent from gnomAD (both v2 and v3). (SP) 0701 - Other NMD-predicted variants comparable to the one identified in this case have very strong previous evidence for pathogenicity. These variants have been reported multiple times as pathogenic, and have been observed in many individuals with hereditary hemorrhagic telangiectasia (HHT) (DECIPHER, PMID: 20414677). (SP) 0802 - This variant has moderate previous evidence of pathogenicity in unrelated individuals. This variant has been reported as likely pathogenic and pathogenic, and has been observed in several individuals with HHT, or epistaxis and telangiectasia (ClinVar, LOVD, PMID: 20414677, PMID: 20719417). (SP) 1208 - Inheritance information for this variant is not currently available in this individual. (I) Legend: (SP) - Supporting pathogenic, (I) - Information, (SB) - Supporting benign

GeneDx
Classification: Likely pathogenic. Last evaluated: 2016-02-09. Review status: criteria provided, single submitter. Criteria: GeneDx Variant Classification (06012015). Collection method: clinical testing. Allele origin: germline. Affected: yes.
Comment: The Q489X variant in the ENG gene has not been reported as a pathogenic variant nor as a benign variant to our knowledge. Q489X is predicted to cause loss of normal protein function either by protein truncation or nonsense-mediated mRNA decay. Multiple other downstream nonsense variants in the ENG gene have been reported in HGMD in association with HHT (Stenson et al., 2014). Furthermore, the Q489X likely pathogenic variant was not observed in approximately 6,500 individuals of European and African American ancestry in the NHLBI Exome Sequencing Project, indicating it is not a common benign variant in these populations.

Literature cited by the submitters: PubMed 20414677 (cited by 3 submitters); PubMed 20719417 (cited by 3 submitters); PubMed 15879500 (cited by Labcorp Genetics (formerly Invitae), Labcorp); PubMed 25312062 (cited by Victorian Clinical Genetics Services, Murdoch Childrens Research Institute).